The following is an entry in ClinVar:

NM_001165963.4(SCN1A):c.1809C>A (p.Ser603Arg)

Gene: SCN1A (sodium voltage-gated channel alpha subunit 1; minus strand). Cytogenetic location: 2q24.3.
Variant type: single nucleotide variant.
Coding change: c.1809C>A on transcript NM_001165963.4 (MANE Select); coding-DNA position 1809, C replaced by A.
Protein change: p.Ser603Arg; replaces serine 603 with arginine.
Molecular consequence: missense variant. On other transcripts: 5 prime UTR variant (1), non-coding transcript variant (1).
Genome position (GRCh38, 1-based): chr2:166,043,903, G>T on the plus strand (C>A on the coding strand, the complement: SCN1A is on the minus strand). VCF-style: chr2-166043903-G-T. GRCh37 (hg19) VCF-style: chr2-166900413-G-T.
Other names: c.1809C>A, p.Ser603Arg (NM_001165964.3, NM_001202435.3, NM_001353948.2 and 7 more transcripts); c.1806C>A, p.Ser602Arg (NM_001353954.2, NM_001353955.2, NM_001353960.2); c.-617C>A (NM_001353961.2); short protein forms S602R, S603R.
Identifiers: ClinVar variation 2704571 (VCV002704571.3), dbSNP rs2468154048, ClinGen allele CA349067590.
Genomic context (GRCh38, chr2:166,043,903, plus strand): 5'-ACTCAGGTTGCTGTTGCGTCTCTCTCCGTGTCGTCGGGGCACAAACAAGGAATCTCTACG[G>T]CTCTCGTTATCCTCAAAGGTGCTGTGCTCATCATCTGCGAAGTCGTTCTCAGATCCCACA-3'
Protein context (NP_001159435.1, residues 593-613): DEHSTFEDNE[Ser603Arg]RRDSLFVPRR

ClinVar aggregate classification (germline): Uncertain significance (1 of 4 stars; one submission).

Conditions:
Early-infantile DEE. Also called: Ohtahara syndrome; Early infantile epileptic encephalopathy with suppression bursts; Early infantile epileptic encephalopathy. Identifiers: Orphanet 1934, MedGen C0393706, MONDO:0800491.

Submission:

Labcorp Genetics (formerly Invitae), Labcorp
Classification: Uncertain significance for Early-infantile DEE. Last evaluated: 2023-08-04. Review status: criteria provided, single submitter. Criteria: Invitae Variant Classification Sherloc (09022015). Collection method: clinical testing. Allele origin: germline.
Comment: In summary, the available evidence is currently insufficient to determine the role of this variant in disease. Therefore, it has been classified as a Variant of Uncertain Significance. Advanced modeling of protein sequence and biophysical properties (such as structural, functional, and spatial information, amino acid conservation, physicochemical variation, residue mobility, and thermodynamic stability) has been performed at Invitae for this missense variant, however the output from this modeling did not meet the statistical confidence thresholds required to predict the impact of this variant on SCN1A protein function. This variant has not been reported in the literature in individuals affected with SCN1A-related conditions. This variant is not present in population databases (gnomAD no frequency). This sequence change replaces serine, which is neutral and polar, with arginine, which is basic and polar, at codon 603 of the SCN1A protein (p.Ser603Arg).